The following is an entry in ClinVar:

ClinVar aggregate classification (germline): Uncertain significance. Review status: criteria provided, multiple submitters, no conflicts (2 of 4 stars). 3 submissions from 3 submitters: Uncertain significance (3). Last evaluated 2023-04-11.

Conditions:
Autosomal recessive limb-girdle muscular dystrophy type 2Y (MRRSDC). Also called: Muscular dystrophy, limb-girdle, type 2y; Muscular dystrophy, autosomal recessive, with rigid spine and distal joint contractures. Identifiers: Orphanet 424261, MedGen C4511482, MONDO:0014900, OMIM 617072.

Allele frequency attached by ClinVar (database versions not stated): ExAC 0.00001.
gnomAD v4.1: 16 of 1,611,730 alleles (0.00099%); highest among the groups gnomAD compares: African/African-American, 0.004%; no homozygotes.

Submissions (3):

Genome-Nilou Lab
Classification: Uncertain significance for Autosomal recessive limb-girdle muscular dystrophy type 2Y. Last evaluated: 2023-04-11. Review status: criteria provided, single submitter. Criteria: ACMG Guidelines, 2015. Collection method: clinical testing. Allele origin: germline. Affected: no.

Labcorp Genetics (formerly Invitae), Labcorp
Classification: Uncertain significance for Autosomal recessive limb-girdle muscular dystrophy type 2Y. Last evaluated: 2022-04-16. Review status: criteria provided, single submitter. Criteria: Invitae Variant Classification Sherloc (09022015). Collection method: clinical testing. Allele origin: germline.
Comment: Algorithms developed to predict the effect of missense changes on protein structure and function are either unavailable or do not agree on the potential impact of this missense change (SIFT: "Tolerated"; PolyPhen-2: "Possibly Damaging"; Align-GVGD: "Class C0"). This sequence change replaces arginine, which is basic and polar, with histidine, which is basic and polar, at codon 564 of the TOR1AIP1 protein (p.Arg564His). This variant is present in population databases (rs748833315, gnomAD 0.002%). This variant has not been reported in the literature in individuals affected with TOR1AIP1-related conditions. ClinVar contains an entry for this variant (Variation ID: 1220055). In summary, the available evidence is currently insufficient to determine the role of this variant in disease. Therefore, it has been classified as a Variant of Uncertain Significance.

GeneDx
Classification: Uncertain significance. Last evaluated: 2021-02-18. Review status: criteria provided, single submitter. Criteria: GeneDx Variant Classification Process June 2021. Collection method: clinical testing. Allele origin: germline. Affected: yes.
Comment: Not observed at a significant frequency in large population cohorts (Lek et al., 2016); In silico analysis, which includes protein predictors and evolutionary conservation, supports a deleterious effect; Has not been previously published as pathogenic or benign to our knowledge

NM_015602.4(TOR1AIP1):c.1688G>A (p.Arg563His)

Gene: TOR1AIP1 (torsin 1A interacting protein 1; plus strand). Cytogenetic location: 1q25.2.
Variant type: single nucleotide variant.
Coding change: c.1688G>A on transcript NM_015602.4 (MANE Select); coding-DNA position 1688, G replaced by A.
Protein change: p.Arg563His; replaces arginine 563 with histidine.
Molecular consequence: missense variant.
Genome position (GRCh38, 1-based): chr1:179,918,175, G>A. VCF-style: chr1-179918175-G-A. GRCh37 (hg19) VCF-style: chr1-179887310-G-A.
Other names: c.1691G>A, p.Arg564His (NM_001267578.2); short protein forms R563H, R564H.
Identifiers: ClinVar variation 1220055 (VCV001220055.10), dbSNP rs748833315, ClinGen allele CA1269179.